The following is an entry in ClinVar:

ClinVar aggregate classification (germline): Uncertain significance (1 of 4 stars; one submission).

Allele frequency attached by ClinVar (database versions not stated): gnomAD exomes below 0.00001; ExAC 0.00002.
gnomAD v4.1: 6 of 1,599,136 alleles (0.00038%); highest among the groups gnomAD compares: Non-Finnish European, 0.00051%; no homozygotes.

Submission:

CeGaT Center for Human Genetics Tuebingen
Classification: Uncertain significance. Last evaluated: 2022-05-01. Review status: criteria provided, single submitter. Criteria: CeGaT Center For Human Genetics Tuebingen Variant Classification Criteria Version 2. Collection method: clinical testing. Allele origin: germline. Affected: yes. Observed: 1 variant allele.
Comment: MYO7A: PM2, BP4

NM_000260.4(MYO7A):c.2283-8T>C

Gene: MYO7A (myosin VIIA; plus strand). Cytogenetic location: 11q13.5.
Variant type: single nucleotide variant.
Coding change: c.2283-8T>C on transcript NM_000260.4 (MANE Select); 8 bases into the intron before coding-DNA position 2283, T replaced by C.
Molecular consequence: intron variant.
Genome position (GRCh38, 1-based): chr11:77,179,037, T>C. VCF-style: chr11-77179037-T-C. GRCh37 (hg19) VCF-style: chr11-76890083-T-C.
Other names: c.2250-8T>C (NM_001369365.1); c.2283-8T>C (NM_001127180.2).
Identifiers: ClinVar variation 2642178 (VCV002642178.24), dbSNP rs782624055, ClinGen allele CA6197799.